The following is an entry in ClinVar:

NM_032444.4(SLX4):c.4264C>G (p.Pro1422Ala)

Gene: SLX4 (SLX4 structure-specific endonuclease subunit; minus strand). Cytogenetic location: 16p13.3.
Variant type: single nucleotide variant.
Coding change: c.4264C>G on transcript NM_032444.4 (MANE Select); coding-DNA position 4264, C replaced by G.
Protein change: p.Pro1422Ala; replaces proline 1422 with alanine.
Molecular consequence: missense variant.
Genome position (GRCh38, 1-based): chr16:3,589,374, G>C on the plus strand (C>G on the coding strand, the complement: SLX4 is on the minus strand). VCF-style: chr16-3589374-G-C. GRCh37 (hg19) VCF-style: chr16-3639375-G-C.
Other names: short protein forms P1422A.
Identifiers: ClinVar variation 2193055 (VCV002193055.5), dbSNP rs759566186, ClinGen allele CA7865699.
Genomic context (GRCh38, chr16:3,589,374, plus strand): 5'-TCCAGTGGTCAATGGGAATTGGCGAGAGGGGCTCCATGTGCCAGCAGCAGTCGTCAATTG[G>C]AATTGGGGGGTCACTGTCCAGTGGGGGGCTTCTGTTGGCCTGATGGGAGGCCACCTCCTG-3'
Protein context (NP_115820.2, residues 1412-1432): SPPLDSDPPI[Pro1422Ala]IDDCCWHMEP

ClinVar aggregate classification (germline): Uncertain significance. Review status: criteria provided, multiple submitters, no conflicts (2 of 4 stars). 2 submissions from 2 submitters: Uncertain significance (2). Last evaluated 2024-05-05.

Conditions:
Fanconi anemia complementation group P. Also called: SLX4-Related Fanconi Anemia. Identifiers: Orphanet 84, MedGen C3469542, MONDO:0013499, OMIM 613951.
Fanconi anemia (FA). Also called: Fanconi's anemia. Identifiers: Orphanet 84, MedGen C0015625, MeSH D005199, MONDO:0019391.

Allele frequency attached by ClinVar (database versions not stated): ExAC 0.00001; gnomAD 0.00001; gnomAD exomes 0.00002; TOPMed 0.00004.
gnomAD v4.1: 32 of 1,591,056 alleles (0.002%); highest among the groups gnomAD compares: Non-Finnish European, 0.0026%; no homozygotes.

Submissions (2):

Fulgent Genetics
Classification: Uncertain significance for Fanconi anemia complementation group P. Last evaluated: 2024-05-05. Review status: criteria provided, single submitter. Criteria: ACMG Guidelines, 2015. Collection method: clinical testing. Allele origin: germline.

Labcorp Genetics (formerly Invitae), Labcorp
Classification: Uncertain significance for Fanconi anemia. Last evaluated: 2023-09-19. Review status: criteria provided, single submitter. Criteria: Invitae Variant Classification Sherloc (09022015). Collection method: clinical testing. Allele origin: germline.
Comment: In summary, the available evidence is currently insufficient to determine the role of this variant in disease. Therefore, it has been classified as a Variant of Uncertain Significance. Algorithms developed to predict the effect of missense changes on protein structure and function output the following: SIFT: "Not Available"; PolyPhen-2: "Benign"; Align-GVGD: "Not Available". The alanine amino acid residue is found in multiple mammalian species, which suggests that this missense change does not adversely affect protein function. ClinVar contains an entry for this variant (Variation ID: 2193055). This variant has not been reported in the literature in individuals affected with SLX4-related conditions. This variant is present in population databases (rs759566186, gnomAD 0.002%). This sequence change replaces proline, which is neutral and non-polar, with alanine, which is neutral and non-polar, at codon 1422 of the SLX4 protein (p.Pro1422Ala).